The following is an entry in ClinVar:

NM_015450.3(POT1):c.851A>C (p.Asp284Ala)

Gene: POT1 (protection of telomeres 1; minus strand). Cytogenetic location: 7q31.33.
Variant type: single nucleotide variant.
Coding change: c.851A>C on transcript NM_015450.3 (MANE Select); coding-DNA position 851, A replaced by C.
Protein change: p.Asp284Ala; replaces aspartic acid 284 with alanine.
Molecular consequence: missense variant. On other transcripts: non-coding transcript variant (3).
Genome position (GRCh38, 1-based): chr7:124,852,990, T>G on the plus strand (A>C on the coding strand, the complement: POT1 is on the minus strand). VCF-style: chr7-124852990-T-G. GRCh37 (hg19) VCF-style: chr7-124493044-T-G.
Other names: c.458A>C, p.Asp153Ala (NM_001042594.2); short protein forms D153A, D284A.
Identifiers: ClinVar variation 4673610 (VCV004673610.1).
Genomic context (GRCh38, chr7:124,852,990, plus strand): 5'-AATCGATACCTTATTTACATTTTCTAAATACTAAAAGCTTACTTTTTCAGTTGATCCACA[T>G]CAGAGTTACTTTCTGGCAAGACCCTGATTCCCCGACCGTAACTGGTACCTCCATGAAGAT-3'
Protein context (NP_056265.2, residues 274-294): GIRVLPESNS[Asp284Ala]VDQLKKDLES

ClinVar aggregate classification (germline): Uncertain significance (1 of 4 stars; one submission).

Conditions:
Hereditary cancer-predisposing syndrome. Also called: Neoplastic Syndromes, Hereditary; Tumor predisposition; Hereditary Cancer Syndrome; Hereditary neoplastic syndrome. Identifiers: Orphanet 140162, MedGen C0027672, MeSH D009386, MONDO:0015356.

Submission:

Ambry Genetics
Classification: Uncertain significance for Hereditary cancer-predisposing syndrome. Last evaluated: 2025-10-15. Review status: criteria provided, single submitter. Criteria: Ambry Variant Classification Scheme 2023. Collection method: clinical testing. Allele origin: germline.
Comment: The p.D284A variant (also known as c.851A>C), located in coding exon 6 of the POT1 gene, results from an A to C substitution at nucleotide position 851. The aspartic acid at codon 284 is replaced by alanine, an amino acid with dissimilar properties. This amino acid position is conserved. In addition, this alteration is predicted to be tolerated by in silico analysis. Based on the available evidence, the clinical significance of this variant remains unclear.